The following is an entry in ClinVar:

NM_022489.4(INF2):c.332C>T (p.Ser111Leu)

Gene: INF2 (inverted formin 2; plus strand). Cytogenetic location: 14q32.33.
Variant type: single nucleotide variant.
Coding change: c.332C>T on transcript NM_022489.4 (MANE Select); coding-DNA position 332, C replaced by T.
Protein change: p.Ser111Leu; replaces serine 111 with leucine.
Molecular consequence: missense variant.
Genome position (GRCh38, 1-based): chr14:104,701,697, C>T. VCF-style: chr14-104701697-C-T. GRCh37 (hg19) VCF-style: chr14-105168034-C-T.
Other names: c.332C>T, p.Ser111Leu (NM_001031714.4, NM_001426862.1, NM_001426863.1 and 6 more transcripts); short protein forms S111L.
Identifiers: ClinVar variation 2949668 (VCV002949668.3), dbSNP rs1236232532, ClinGen allele CA391225900.
Genomic context (GRCh38, chr14:104,701,697, plus strand): 5'-GTATCTCCGACGCCCTGCTGCAGCTCACCTGCGTCAGCTGCGTGCGCGCCGTCATGAACT[C>T]GCGGCAGGGCATCGAGTACATCCTCAGCAACCAGGGCTACGTGCGCCAGCTCTCCCAGGG-3'
Protein context (NP_071934.3, residues 101-121): CVSCVRAVMN[Ser111Leu]RQGIEYILSN

ClinVar aggregate classification (germline): Uncertain significance (1 of 4 stars; one submission).

Conditions:
Focal segmental glomerulosclerosis 5 (FSGS5). Identifiers: Orphanet 656, MedGen C2750475, MONDO:0013191, OMIM 613237.
Charcot-Marie-Tooth disease dominant intermediate E. Also called: CHARCOT-MARIE-TOOTH NEUROPATHY WITH FOCAL SEGMENTAL GLOMERULONEPHRITIS. Identifiers: Orphanet 93114, MedGen C4302667, MONDO:0013758, OMIM 614455.

Allele frequency attached by ClinVar (database versions not stated): TOPMed below 0.00001; gnomAD 0.00001.
gnomAD v4.1: 6 of 1,557,518 alleles (0.00039%); highest among the groups gnomAD compares: Admixed American, 0.0074%; no homozygotes.

Submission:

Labcorp Genetics (formerly Invitae), Labcorp
Classification: Uncertain significance for Charcot-Marie-Tooth disease dominant intermediate E; Focal segmental glomerulosclerosis 5. Last evaluated: 2023-07-08. Review status: criteria provided, single submitter. Criteria: Invitae Variant Classification Sherloc (09022015). Collection method: clinical testing. Allele origin: germline.
Comment: Advanced modeling of protein sequence and biophysical properties (such as structural, functional, and spatial information, amino acid conservation, physicochemical variation, residue mobility, and thermodynamic stability) performed at Invitae indicates that this missense variant is expected to disrupt INF2 protein function. This variant has not been reported in the literature in individuals affected with INF2-related conditions. In summary, the available evidence is currently insufficient to determine the role of this variant in disease. Therefore, it has been classified as a Variant of Uncertain Significance. This sequence change replaces serine, which is neutral and polar, with leucine, which is neutral and non-polar, at codon 111 of the INF2 protein (p.Ser111Leu). This variant is not present in population databases (gnomAD no frequency).